The following is an entry in ClinVar:

ClinVar aggregate classification (germline): Conflicting classifications of pathogenicity. Review status: criteria provided, conflicting classifications (1 of 4 stars). 5 submissions from 5 submitters: Uncertain significance (4); Likely benign (1). Last evaluated 2026-02-02.

Conditions:
Immunodeficiency 104. Also called: SCID, AUTOSOMAL RECESSIVE, T CELL-NEGATIVE, B CELL-POSITIVE, NK CELL-POSITIVE; Severe Combined Immune Deficiency, Autosomal Recessive, TCell -Negative, B Cell-Positive, NK Cell-Positive, IL7R-Related; Severe combined immunodeficiency, autosomal recessive, T cell-negative, B cell-positive, NK cell-positive; IMMUNODEFICIENCY 104, SEVERE COMBINED. Identifiers: MedGen C5676890, MONDO:0012163, OMIM 608971.

Allele frequency attached by ClinVar (database versions not stated): ESP Exome Variant Server 0.00015; 1000 Genomes Project 30x 0.00016; gnomAD 0.00019 and 0.00021; 1000 Genomes Project 0.00020; TOPMed 0.00022; gnomAD exomes 0.00035 and 0.00037; ExAC 0.00039.

Submissions (7):

Labcorp Genetics (formerly Invitae), Labcorp
Classification: Likely benign for Immunodeficiency 104. Last evaluated: 2026-02-02. Review status: criteria provided, single submitter. Criteria: Invitae Variant Classification Sherloc (09022015). Collection method: clinical testing. Allele origin: germline.

Blueprint Genetics
Classification: Uncertain significance. Last evaluated: 2024-11-26. Review status: criteria provided, single submitter. Criteria: ACMG Guidelines, 2015. Collection method: clinical testing. Allele origin: germline.

Illumina Laboratory Services, Illumina
Classification: Uncertain significance for Immunodeficiency 104. Last evaluated: 2018-01-13. Review status: criteria provided, single submitter. Criteria: ICSL Variant Classification Criteria 13 December 2019. Collection method: clinical testing. Allele origin: germline.

GeneDx
Classification: Uncertain significance. Last evaluated: 2017-05-11. Review status: criteria provided, single submitter. Criteria: GeneDx Variant Classification (06012015). Collection method: clinical testing. Allele origin: germline. Affected: yes.
Comment: The R140Q variant has been observed in the heterozygous state previously in an individual with SCID (Broides et al., 2006). The variant is observed in 21/16498 (0.13%) alleles from individuals of South Asian background in the ExAC dataset (Lek et al., 2016). R140Q is a semi-conservative amino acid substitution, which may impact secondary protein structure as these residues differ in some properties. This substitution occurs at a position that is conserved in mammals; however, in silico analysis is inconsistent in its predictions as to whether or not the variant is damaging to the protein structure/function. In summary, based on the currently available information, it is unclear whether this variant is a pathogenic variant or a rare benign variant.

GreenArray Genomic Research & Solutions of Accurate Diagnostic Private Limited
Classification: Uncertain significance for Immunodeficiency 104. Review status: criteria provided, single submitter. Criteria: ACMG Guidelines, 2015. Collection method: clinical testing. Allele origin: germline. Affected: no.
Comment: The variant is predicted to be damaging by PolyPhen2 and the residue is conserved across species. The amino acid change p.Arg140Gln in IL7R is predicted as conserved by GERP++ and PhyloP across 100 vertebrates. The variant is present in 0.03% alleles in heterozygous state. It is not observed in homozygous state. Hence it has been classified as Uncertain Significance.

Dr. Peter K. Rogan Lab, Western University
No classification provided (evidence only). Condition: Thymoma. Review status: no classification provided. Collection method: in vitro. Allele origin: not applicable. Functional consequence: retained intron. Not counted in ClinVar's aggregate classification.

Dr. Peter K. Rogan Lab, Western University
No classification provided (evidence only). Condition: Thymoma. Review status: no classification provided. Collection method: in vitro. Allele origin: not applicable. Functional consequence: retained intron. Not counted in ClinVar's aggregate classification.

NM_002185.5(IL7R):c.419G>A (p.Arg140Gln)

Gene: IL7R (interleukin 7 receptor; plus strand). Cytogenetic location: 5p13.2.
Variant type: single nucleotide variant.
Coding change: c.419G>A on transcript NM_002185.5 (MANE Select); coding-DNA position 419, G replaced by A.
Protein change: p.Arg140Gln; replaces arginine 140 with glutamine.
Molecular consequence: missense variant. On other transcripts: non-coding transcript variant (1).
Genome position (GRCh38, 1-based): chr5:35,871,095, G>A. VCF-style: chr5-35871095-G-A. GRCh37 (hg19) VCF-style: chr5-35871197-G-A.
Other names: short protein forms R140Q.
Identifiers: ClinVar variation 353264 (VCV000353264.15), dbSNP rs200373233, ClinGen allele CA3231967.
Genomic context (GRCh38, chr5:35,871,095, plus strand): 5'-TTATTTCTTTTTCTTTTCCAGTTAAACCTGAGGCTCCTTTTGACCTGAGTGTCGTCTATC[G>A]GGAAGGAGCCAATGACTTTGTGGTGACATTTAATACATCACACTTGCAAAAGAAGTATGT-3'
Protein context (NP_002176.2, residues 130-150): EAPFDLSVVY[Arg140Gln]EGANDFVVTF